The following is an entry in ClinVar:

NM_001267550.2(TTN):c.8770A>C (p.Ser2924Arg)

Gene: TTN (titin; minus strand). Cytogenetic location: 2q31.2.
Variant type: single nucleotide variant.
Coding change: c.8770A>C on transcript NM_001267550.2 (MANE Select); coding-DNA position 8770, A replaced by C.
Protein change: p.Ser2924Arg; replaces serine 2924 with arginine.
Molecular consequence: missense variant.
Genome position (GRCh38, 1-based): chr2:178,769,811, T>G on the plus strand (A>C on the coding strand, the complement: TTN is on the minus strand). VCF-style: chr2-178769811-T-G. GRCh37 (hg19) VCF-style: chr2-179634538-T-G.
Other names: c.8770A>C, p.Ser2924Arg (NM_001256850.1, NM_133378.4, NM_133379.5); c.8632A>C, p.Ser2878Arg (NM_003319.4, NM_133432.3, NM_133437.4); short protein forms S2924R, S2878R.
Identifiers: ClinVar variation 388308 (VCV000388308.1), dbSNP rs1057523066, ClinGen allele CA16604251.
Genomic context (GRCh38, chr2:178,769,811, plus strand): 5'-TGGTGTTCATGATGATCAGCTGATGGAGTTTTCCCTGCACAACTATCTTGAACTTTTCAC[T>G]CATCTCAATTTCCACACCATTCTTCAGCCACATGGAAGGGACATTGAAGTGGGACACCTC-3'
Protein context (NP_001254479.2, residues 2914-2934): WLKNGVEIEM[Ser2924Arg]EKFKIVVQGK

ClinVar aggregate classification (germline): Likely benign (1 of 4 stars; one submission).

Allele frequency attached by ClinVar (database versions not stated): TOPMed below 0.00001; gnomAD 0.00001; gnomAD exomes 0.00001.
gnomAD v4.1: 5 of 1,613,976 alleles (0.00031%); highest among the groups gnomAD compares: Non-Finnish European, 0.00042%; no homozygotes.

Submission:

GeneDx
Classification: Likely benign. Last evaluated: 2016-08-08. Review status: criteria provided, single submitter. Criteria: GeneDx Variant Classification (06012015). Collection method: clinical testing. Allele origin: germline. Affected: yes.
Comment: This variant is considered likely benign or benign based on one or more of the following criteria: it is a conservative change, it occurs at a poorly conserved position in the protein, it is predicted to be benign by multiple in silico algorithms, and/or has population frequency not consistent with disease.